The following is an entry in ClinVar:

ClinVar aggregate classification (germline): Uncertain significance. Review status: criteria provided, multiple submitters, no conflicts (2 of 4 stars). 2 submissions from 2 submitters: Uncertain significance (2). Last evaluated 2024-10-01.

Conditions:
Developmental and epileptic encephalopathy 94 (DEE94). Also called: Epileptic encephalopathy, childhood-onset; CHD2-Related Neurodevelopmental Disorders. Identifiers: Orphanet 1942, Orphanet 2382, MedGen C3809278, MONDO:0014150, OMIM 615369.

Submissions (2):

Women's Health and Genetics/Laboratory Corporation of America, LabCorp
Classification: Uncertain significance. Last evaluated: 2024-10-01. Review status: criteria provided, single submitter. Criteria: LabCorp Variant Classification Summary - May 2015. Collection method: clinical testing. Allele origin: germline.
Comment: Variant summary: CHD2 c.33_35delGGA (p.Glu11del) results in an in-frame deletion that is predicted to remove one amino acid from the encoded protein. The variant allele was found at a frequency of 8e-06 in 249084 control chromosomes (gnomAD). The available data on variant occurrences in the general population are insufficient to allow any conclusion about variant significance. To our knowledge, no occurrence of c.33_35delGGA in individuals affected with Developmental And Epileptic Encephalopathy 94 and no experimental evidence demonstrating its impact on protein function have been reported. ClinVar contains an entry for this variant (Variation ID: 2053767). Based on the evidence outlined above, the variant was classified as uncertain significance.

Labcorp Genetics (formerly Invitae), Labcorp
Classification: Uncertain significance for Developmental and epileptic encephalopathy 94. Last evaluated: 2024-06-13. Review status: criteria provided, single submitter. Criteria: Invitae Variant Classification Sherloc (09022015). Collection method: clinical testing. Allele origin: germline.
Comment: This variant, c.33_35del, results in the deletion of 1 amino acid(s) of the CHD2 protein (p.Glu11del), but otherwise preserves the integrity of the reading frame. This variant is present in population databases (rs772244385, gnomAD 0.006%). This variant has not been reported in the literature in individuals affected with CHD2-related conditions. Experimental studies and prediction algorithms are not available or were not evaluated, and the functional significance of this variant is currently unknown. In summary, the available evidence is currently insufficient to determine the role of this variant in disease. Therefore, it has been classified as a Variant of Uncertain Significance.

NM_001271.4(CHD2):c.30GGA[1] (p.Glu11del)

Gene: CHD2 (chromodomain helicase DNA binding protein 2; plus strand). Cytogenetic location: 15q26.1.
Variant type: Microsatellite.
Coding change: c.30GGA[1] on transcript NM_001271.4 (MANE Select); one copy of the 3-base unit GGA starting at c.30; the reference has two copies in a row; one copy, 3 bases deleted.
Protein change: p.Glu11del; deletes glutamic acid 11.
Molecular consequence: inframe deletion.
Genome position (GRCh38, 1-based): chr15:92,901,270-92,901,272, GGA deleted; deleting any 3 consecutive bases within chr15:92,901,265-92,901,272 gives the same sequence; the position shown is the placement nearest the transcript's 3' end. VCF-style (leftmost placement, unchanged base first): chr15-92901264-AGAG-A. GRCh37 (hg19) VCF-style: chr15-93444494-AGAG-A.
Other names: c.30GGA[1], p.Glu11del (NM_001042572.3); c.33_35delGGA (NM_001271.4); short protein forms E11del.
Identifiers: ClinVar variation 2053767 (VCV002053767.5), dbSNP rs772244385, ClinGen allele CA7747391.